The following is an entry in ClinVar:

NM_206933.4(USH2A):c.2966A>G (p.Tyr989Cys)

Genes: USH2A (usherin; minus strand), USH2A-AS1 (USH2A antisense RNA 1; plus strand). Cytogenetic location: 1q41.
Variant type: single nucleotide variant.
Coding change: c.2966A>G on transcript NM_206933.4 (MANE Select); coding-DNA position 2966, A replaced by G.
Protein change: p.Tyr989Cys; replaces tyrosine 989 with cysteine.
Molecular consequence: missense variant.
Genome position (GRCh38, 1-based): chr1:216,231,980, T>C on the plus strand (A>G on the coding strand, the complement: USH2A is on the minus strand). VCF-style: chr1-216231980-T-C. GRCh37 (hg19) VCF-style: chr1-216405322-T-C.
Other names: c.2966A>G, p.Tyr989Cys (NM_007123.6); short protein forms Y989C.
Identifiers: ClinVar variation 1715544 (VCV001715544.3), dbSNP rs2528126424, ClinGen allele CA344863107.

ClinVar aggregate classification (germline): Uncertain significance (1 of 4 stars; one submission).

Submission:

Labcorp Genetics (formerly Invitae), Labcorp
Classification: Uncertain significance. Last evaluated: 2022-09-19. Review status: criteria provided, single submitter. Criteria: Invitae Variant Classification Sherloc (09022015). Collection method: clinical testing. Allele origin: germline.
Comment: This sequence change replaces tyrosine, which is neutral and polar, with cysteine, which is neutral and slightly polar, at codon 989 of the USH2A protein (p.Tyr989Cys). This variant is not present in population databases (gnomAD no frequency). This variant has not been reported in the literature in individuals affected with USH2A-related conditions. Algorithms developed to predict the effect of missense changes on protein structure and function (SIFT, PolyPhen-2, Align-GVGD) all suggest that this variant is likely to be disruptive. In summary, the available evidence is currently insufficient to determine the role of this variant in disease. Therefore, it has been classified as a Variant of Uncertain Significance.